The following is an entry in ClinVar:

ClinVar aggregate classification (germline): Benign/Likely benign. Review status: criteria provided, multiple submitters, no conflicts (2 of 4 stars). 4 submissions from 4 submitters: Benign (1); Likely benign (1). 2 of the submissions do not count toward it. Last evaluated 2025-10-22.

Conditions:
COL4A5-related disorder. Also called: COL4A5-related condition.
X-linked Alport syndrome (ATS1). Also called: COL4A5-Related Nephropathy; NEPHROPATHY AND DEAFNESS, X-LINKED. Identifiers: Orphanet 63, Orphanet 88917, MedGen C4746986, MONDO:0010520, OMIM 301050.

Allele frequency attached by ClinVar (database versions not stated): ExAC 0.00003; gnomAD exomes 0.00007 and 0.00023; TOPMed 0.00009; gnomAD 0.00010; 1000 Genomes Project 30x 0.00021; 1000 Genomes Project 0.00026.
gnomAD v4.1: 255 of 1,209,246 alleles (0.021%); highest among the groups gnomAD compares: Non-Finnish European, 0.026%; no homozygotes.

Submissions (4):

Labcorp Genetics (formerly Invitae), Labcorp
Classification: Benign. Last evaluated: 2025-10-22. Review status: criteria provided, single submitter. Criteria: Invitae Variant Classification Sherloc (09022015). Collection method: clinical testing. Allele origin: germline.

Blueprint Genetics
Classification: Likely benign. Last evaluated: 2024-11-25. Review status: criteria provided, single submitter. Criteria: ACMG Guidelines, 2015. Collection method: clinical testing. Allele origin: germline.

PreventionGenetics, part of Exact Sciences
Classification: Likely benign for COL4A5-related condition. Last evaluated: 2022-07-06. Review status: no assertion criteria provided. Collection method: clinical testing. Allele origin: germline. Not counted in ClinVar's aggregate classification.
Comment: This variant is classified as likely benign based on ACMG/AMP sequence variant interpretation guidelines (Richards et al. 2015 PMID: 25741868, with internal and published modifications).

Natera, Inc.
Classification: Likely benign for X-linked Alport syndrome. Last evaluated: 2020-04-11. Review status: no assertion criteria provided. Collection method: clinical testing. Allele origin: germline. Not counted in ClinVar's aggregate classification.

NM_033380.3(COL4A5):c.861G>A (p.Glu287=)

Gene: COL4A5 (collagen type IV alpha 5 chain; plus strand). Cytogenetic location: Xq22.3.
Variant type: single nucleotide variant.
Coding change: c.861G>A on transcript NM_033380.3 (MANE Select); coding-DNA position 861, G replaced by A.
Protein change: p.Glu287=; no amino-acid change (glutamic acid 287 retained).
Molecular consequence: synonymous variant.
Genome position (GRCh38, 1-based): chrX:108,580,708, G>A. VCF-style: chrX-108580708-G-A. GRCh37 (hg19) VCF-style: chrX-107823938-G-A.
Other names: c.861G>A (NM_000495.4); c.861G>A, p.Glu287= (NM_000495.5).
Identifiers: ClinVar variation 1167611 (VCV001167611.11), dbSNP rs41300173, ClinGen allele CA10488594.
Genomic context (GRCh38, chrX:108,580,708, plus strand): 5'-ATGAACCATTGTGAAACTATTTTTATGTGTACAGGGTCCCCCAGGTGGTGAGAAAGGTGA[G>A]AAGGGTGAGCAAGGAGAGCCAGGCAAAAGAGTAAGTGATGTAACTGCTAATATTCTTTGC-3'
Protein context (NP_203699.1, residues 277-297): PPGPPGGEKG[Glu287=]KGEQGEPGKR